The following is an entry in ClinVar:

NM_001386795.1(DTNA):c.104A>G (p.Tyr35Cys)

Genes: DTNA (dystrobrevin alpha; plus strand), DTNA-AS1 (DTNA antisense RNA 1; minus strand). Cytogenetic location: 18q12.1.
Variant type: single nucleotide variant.
Coding change: c.104A>G on transcript NM_001386795.1 (MANE Select); coding-DNA position 104, A replaced by G.
Protein change: p.Tyr35Cys; replaces tyrosine 35 with cysteine.
Molecular consequence: missense variant.
Genome position (GRCh38, 1-based): chr18:34,765,997, A>G. VCF-style: chr18-34765997-A-G. GRCh37 (hg19) VCF-style: chr18-32345961-A-G.
Other names: c.104A>G, p.Tyr35Cys (NM_001386774.1, NM_001386775.1, NM_001386776.1 and 35 more transcripts); short protein forms Y35C.
Identifiers: ClinVar variation 1721774 (VCV001721774.5), dbSNP rs2515460507, ClinGen allele CA402274641.

ClinVar aggregate classification (germline): Uncertain significance (1 of 4 stars; one submission).

Conditions:
Left ventricular noncompaction 1 (LVNC1). Also called: LEFT VENTRICULAR NONCOMPACTION 1 WITH OR WITHOUT CONGENITAL HEART DEFECTS. Identifiers: Orphanet 54260, MedGen C1858725, MONDO:0011403, OMIM 604169.

Submission:

Labcorp Genetics (formerly Invitae), Labcorp
Classification: Uncertain significance for Left ventricular noncompaction 1. Last evaluated: 2022-10-17. Review status: criteria provided, single submitter. Criteria: Invitae Variant Classification Sherloc (09022015). Collection method: clinical testing. Allele origin: germline.
Comment: This sequence change replaces tyrosine, which is neutral and polar, with cysteine, which is neutral and slightly polar, at codon 35 of the DTNA protein (p.Tyr35Cys). This variant is not present in population databases (gnomAD no frequency). This variant has not been reported in the literature in individuals affected with DTNA-related conditions. Advanced modeling of protein sequence and biophysical properties (such as structural, functional, and spatial information, amino acid conservation, physicochemical variation, residue mobility, and thermodynamic stability) performed at Invitae indicates that this missense variant is expected to disrupt DTNA protein function. In summary, the available evidence is currently insufficient to determine the role of this variant in disease. Therefore, it has been classified as a Variant of Uncertain Significance.